The following is an entry in ClinVar:

NM_016333.4(SRRM2):c.3421G>C (p.Asp1141His)

Gene: SRRM2 (serine/arginine repetitive matrix 2; plus strand). Cytogenetic location: 16p13.3.
Variant type: single nucleotide variant.
Coding change: c.3421G>C on transcript NM_016333.4 (MANE Select); coding-DNA position 3421, G replaced by C.
Protein change: p.Asp1141His; replaces aspartic acid 1141 with histidine.
Molecular consequence: missense variant.
Genome position (GRCh38, 1-based): chr16:2,763,949, G>C. VCF-style: chr16-2763949-G-C. GRCh37 (hg19) VCF-style: chr16-2813950-G-C.
Other names: short protein forms D1141H.
Identifiers: ClinVar variation 3449534 (VCV003449534.1).

ClinVar aggregate classification (germline): Uncertain significance (1 of 4 stars; one submission).

Conditions:
Inborn genetic diseases. Identifiers: MedGen C0950123, MeSH D030342.

Submission:

Ambry Genetics
Classification: Uncertain significance for Inborn genetic diseases. Last evaluated: 2024-11-01. Review status: criteria provided, single submitter. Criteria: Ambry Variant Classification Scheme 2023. Collection method: clinical testing. Allele origin: germline.
Comment: The c.3421G>C (p.D1141H) alteration is located in exon 11 (coding exon 10) of the SRRM2 gene. This alteration results from a G to C substitution at nucleotide position 3421, causing the aspartic acid (D) at amino acid position 1141 to be replaced by a histidine (H). This variant was not reported in population-based cohorts in the Genome Aggregation Database (gnomAD). This amino acid position is well conserved in available vertebrate species. The in silico prediction for this alteration is inconclusive. Based on insufficient or conflicting evidence, the clinical significance of this alteration remains unclear.